The following is an entry in ClinVar:

ClinVar aggregate classification (germline): Uncertain significance (1 of 4 stars; one submission).

Allele frequency attached by ClinVar (database versions not stated): gnomAD exomes below 0.00001.
gnomAD v4.1: 2 of 1,614,158 alleles (0.00012%); highest among the groups gnomAD compares: Non-Finnish European, 0.00017%; no homozygotes.

Submissions (2):

Ambry Genetics
Classification: Uncertain significance. Last evaluated: 2024-01-16. Review status: criteria provided, single submitter. Criteria: Ambry Variant Classification Scheme 2023. Collection method: clinical testing. Allele origin: germline.
Comment: The p.D815G variant (also known as c.2444A>G), located in coding exon 1 of the MLH3 gene, results from an A to G substitution at nucleotide position 2444. The aspartic acid at codon 815 is replaced by glycine, an amino acid with similar properties. This amino acid position is conserved. In addition, this alteration is predicted to be tolerated by in silico analysis. Since supporting evidence is limited at this time, the clinical significance of this alteration remains unclear.

Dr. Peter K. Rogan Lab, Western University
No classification provided (evidence only). Condition: Gastric cancer. Review status: no classification provided. Collection method: in vitro. Allele origin: not applicable. Functional consequence: retained intron. Not counted in ClinVar's aggregate classification.

NM_001040108.2(MLH3):c.2444A>G (p.Asp815Gly)

Gene: MLH3 (mutL homolog 3; minus strand). Cytogenetic location: 14q24.3.
Variant type: single nucleotide variant.
Coding change: c.2444A>G on transcript NM_001040108.2 (MANE Select); coding-DNA position 2444, A replaced by G.
Protein change: p.Asp815Gly; replaces aspartic acid 815 with glycine.
Molecular consequence: missense variant.
Genome position (GRCh38, 1-based): chr14:75,047,212, T>C on the plus strand (A>G on the coding strand, the complement: MLH3 is on the minus strand). VCF-style: chr14-75047212-T-C. GRCh37 (hg19) VCF-style: chr14-75513915-T-C.
Other names: NC_000014.8:g.75513915T>C; c.2444A>G, p.Asp815Gly (NM_014381.3); short protein forms D815G.
Identifiers: ClinVar variation 3232485 (VCV003232485.2), dbSNP rs757328325, ClinGen allele CA263648311.